The following is an entry in ClinVar:

ClinVar aggregate classification (germline): Conflicting classifications of pathogenicity. Review status: criteria provided, conflicting classifications (1 of 4 stars). 2 submissions from 2 submitters: Uncertain significance (1); Likely benign (1). Last evaluated 2025-11-04.

Conditions:
Hereditary cancer-predisposing syndrome. Also called: Hereditary Cancer Syndrome; Hereditary neoplastic syndrome; Neoplastic Syndromes, Hereditary; Tumor predisposition. Identifiers: Orphanet 140162, MedGen C0027672, MeSH D009386, MONDO:0015356.

Allele frequency attached by ClinVar (database versions not stated): gnomAD exomes below 0.00001.
gnomAD v4.1: 2 of 1,612,710 alleles (0.00012%); highest among the groups gnomAD compares: Non-Finnish European, 0.00017%; no homozygotes.

Submissions (2):

Labcorp Genetics (formerly Invitae), Labcorp
Classification: Uncertain significance. Last evaluated: 2025-11-04. Review status: criteria provided, single submitter. Criteria: Invitae Variant Classification Sherloc (09022015). Collection method: clinical testing. Allele origin: germline.
Comment: This sequence change replaces asparagine, which is neutral and polar, with serine, which is neutral and polar, at codon 412 of the CTNNA1 protein (p.Asn412Ser). This variant is present in population databases (no rsID available, gnomAD 0.0009%). This variant has not been reported in the literature in individuals affected with CTNNA1-related conditions. ClinVar contains an entry for this variant (Variation ID: 1063003). Invitae Evidence Modeling of protein sequence and biophysical properties (such as structural, functional, and spatial information, amino acid conservation, physicochemical variation, residue mobility, and thermodynamic stability) indicates that this missense variant is not expected to disrupt CTNNA1 protein function with a negative predictive value of 80%. In summary, the available evidence is currently insufficient to determine the role of this variant in disease. Therefore, it has been classified as a Variant of Uncertain Significance.

Ambry Genetics
Classification: Likely benign for Hereditary cancer-predisposing syndrome. Last evaluated: 2024-02-07. Review status: criteria provided, single submitter. Criteria: Ambry Variant Classification Scheme 2023. Collection method: clinical testing. Allele origin: germline.

NM_001903.5(CTNNA1):c.1235A>G (p.Asn412Ser)

Gene: CTNNA1 (catenin alpha 1; plus strand). Cytogenetic location: 5q31.2.
Variant type: single nucleotide variant.
Coding change: c.1235A>G on transcript NM_001903.5 (MANE Select); coding-DNA position 1235, A replaced by G.
Protein change: p.Asn412Ser; replaces asparagine 412 with serine.
Molecular consequence: missense variant. On other transcripts: 5 prime UTR variant (5), intron variant (2).
Genome position (GRCh38, 1-based): chr5:138,887,581, A>G. VCF-style: chr5-138887581-A-G. GRCh37 (hg19) VCF-style: chr5-138223270-A-G.
Other names: c.1235A>G (NM_001903.2); c.1235A>G, p.Asn412Ser (NM_001290307.3, NM_001323982.2, NM_001323983.1 and 3 more transcripts); c.926A>G, p.Asn309Ser (NM_001290309.3); c.866A>G, p.Asn289Ser (NM_001290310.3); c.125A>G, p.Asn42Ser (NM_001290312.1, NM_001323987.1, NM_001323988.1 and 18 more transcripts); c.-273A>G (NM_001324006.1, NM_001324007.1, NM_001324008.1 and 1 more transcripts); c.-148A>G (NM_001324013.1); c.-58+11984A>G (NM_001324012.1); and 1 more; short protein forms N289S, N309S, N412S, N42S.
Identifiers: ClinVar variation 1063003 (VCV001063003.8), dbSNP rs1248721633, ClinGen allele CA361133133.